The following is an entry in ClinVar:

ClinVar aggregate classification (germline): Conflicting classifications of pathogenicity. Review status: criteria provided, conflicting classifications (1 of 4 stars). 3 submissions from 3 submitters: Uncertain significance (2); Likely benign (1). Last evaluated 2026-08-20.

Conditions:
NDUFAF7-related condition.

Allele frequency attached by ClinVar (database versions not stated): ExAC 0.00003; gnomAD 0.00003; gnomAD exomes 0.00003; TOPMed 0.00003; 1000 Genomes Project 30x 0.00031; 1000 Genomes Project 0.00040.

Submissions (3):

PreventionGenetics, part of Exact Sciences
Classification: Uncertain significance for NDUFAF7-related condition. Last evaluated: 2026-08-20. Review status: criteria provided, single submitter. Criteria: ACMG Guidelines, 2015. Collection method: clinical testing. Allele origin: germline.
Comment: The NDUFAF7 c.56C>T variant is predicted to result in the amino acid substitution p.Ala19Val. To our knowledge, this variant has not been reported in the literature. This variant is reported in 0.011% of alleles in individuals of East Asian descent in gnomAD. At this time, the clinical significance of this variant is uncertain due to the absence of conclusive functional and genetic evidence.

Labcorp Genetics (formerly Invitae), Labcorp
Classification: Uncertain significance. Last evaluated: 2025-08-18. Review status: criteria provided, single submitter. Criteria: Invitae Variant Classification Sherloc (09022015). Collection method: clinical testing. Allele origin: germline.
Comment: This sequence change replaces alanine, which is neutral and non-polar, with valine, which is neutral and non-polar, at codon 19 of the NDUFAF7 protein (p.Ala19Val). This variant is present in population databases (rs562848214, gnomAD 0.006%). This variant has not been reported in the literature in individuals affected with NDUFAF7-related conditions. ClinVar contains an entry for this variant (Variation ID: 2985187). An algorithm developed to predict the effect of missense changes on protein structure and function outputs the following: PolyPhen-2: "Benign". The valine amino acid residue is found in multiple mammalian species, which suggests that this missense change does not adversely affect protein function. In summary, the available evidence is currently insufficient to determine the role of this variant in disease. Therefore, it has been classified as a Variant of Uncertain Significance.

Ambry Genetics
Classification: Likely benign. Last evaluated: 2025-02-08. Review status: criteria provided, single submitter. Criteria: Ambry Variant Classification Scheme 2023. Collection method: clinical testing. Allele origin: germline.

NM_144736.5(NDUFAF7):c.56C>T (p.Ala19Val)

Genes: NDUFAF7 (NADH:ubiquinone oxidoreductase complex assembly factor 7; plus strand), LOC126806192 (CDK7 strongly-dependent group 2 enhancer GRCh37_chr2:37458084-37459283; plus strand). Cytogenetic location: 2p22.2.
Variant type: single nucleotide variant.
Coding change: c.56C>T on transcript NM_144736.5 (MANE Select); coding-DNA position 56, C replaced by T.
Protein change: p.Ala19Val; replaces alanine 19 with valine.
Molecular consequence: missense variant. On other transcripts: non-coding transcript variant (10).
Genome position (GRCh38, 1-based): chr2:37,232,106, C>T. VCF-style: chr2-37232106-C-T. GRCh37 (hg19) VCF-style: chr2-37459249-C-T.
Other names: c.56C>T (NM_144736.4, NM_001083946.1); c.56C>T, p.Ala19Val (NM_001083946.2, NM_001350024.2, NM_001350025.2 and 1 more transcripts); short protein forms A19V.
Identifiers: ClinVar variation 2985187 (VCV002985187.5), dbSNP rs562848214, ClinGen allele CA1617021.